The following is an entry in ClinVar:

ClinVar aggregate classification (germline): Pathogenic. Review status: criteria provided, multiple submitters, no conflicts (2 of 4 stars). 2 submissions from 2 submitters: Pathogenic (2). Last evaluated 2024-03-13.

Conditions:
Autosomal recessive limb-girdle muscular dystrophy type 2B (LGMDR2). Also called: Limb-girdle muscular dystrophy, type 2B; Limb-Girdle Muscular Dystrophy Type 2B (LGMD2B); MUSCULAR DYSTROPHY, LIMB-GIRDLE, TYPE 3; MUSCULAR DYSTROPHY, LIMB-GIRDLE, AUTOSOMAL RECESSIVE 2. Identifiers: Orphanet 268, MedGen C1850889, MONDO:0009676, OMIM 253601.
Miyoshi muscular dystrophy 1 (MMD1). Identifiers: Orphanet 45448, MedGen C4551973, MONDO:0024545, OMIM 254130.
Distal myopathy with anterior tibial onset. Identifiers: Orphanet 178400, MedGen C1847532, MONDO:0011721, OMIM 606768.

Submissions (2):

Natera, Inc.
Classification: Pathogenic for Limb-girdle muscular dystrophy type 2B. Last evaluated: 2024-03-13. Review status: criteria provided, single submitter. Criteria: Natera Variant Classification Schema (03/2026). Collection method: clinical testing. Allele origin: germline.
Comment: The c.4941_4942delCT variant in DYSF is a frameshift variant predicted to shift the reading frame and introduce a stop codon. This variant is expected to result in nonsense mediated decay, truncation, or a dysfunctional protein product. This variant is rare in the general population with a frequency below the threshold expected for the associated phenotype(s). This variant has been observed in one or more individuals affected with the associated recessive disease, as either homozygous or compound heterozygous with a second variant (PMID: 27647186). Given the available evidence, this variant is classified as Pathogenic.

Juno Genomics, Hangzhou Juno Genomics, Inc
Classification: Pathogenic for Miyoshi muscular dystrophy 1; Autosomal recessive limb-girdle muscular dystrophy type 2B; Distal myopathy with anterior tibial onset. Review status: criteria provided, single submitter. Criteria: ACMG Guidelines, 2015. Collection method: clinical testing. Allele origin: germline.
Comment: Absent from controls (or at extremely low frequency if recessive) in Genome Aggregation Database.;Null variant in a gene where loss of function (LOF) is a known mechanism of disease.;For recessive disorders, detected in trans with a pathogenic variant.

Literature cited by the submitters: PubMed 27647186 (cited by Natera, Inc.).

NM_001130987.2(DYSF):c.5058_5059del (p.Leu1686_Tyr1687insTer)

Gene: DYSF (dysferlin; plus strand). Cytogenetic location: 2p13.2.
Variant type: Microsatellite.
Coding change: c.5058_5059del on transcript NM_001130987.2 (MANE Select); coding-DNA positions 5058 to 5059, 2 bases deleted (CT; older notation c.5058_5059delCT).
Protein change: p.Leu1686_Tyr1687insTer.
Molecular consequence: frameshift variant.
Genome position (GRCh38, 1-based): chr2:71,664,322-71,664,323, CT deleted; deleting any 2 consecutive bases within chr2:71,664,318-71,664,323 gives the same sequence; the c. name uses the placement nearest the transcript's 3' end. VCF-style (leftmost placement, unchanged base first): chr2-71664317-ACT-A. GRCh37 (hg19) VCF-style: chr2-71891447-ACT-A.
Other names: c.4944_4945del, p.Leu1648_Tyr1649insTer (NM_001130455.2); c.4899_4900del, p.Leu1633_Tyr1634insTer (NM_001130976.2); c.4962_4963del, p.Leu1654_Tyr1655insTer (NM_001130977.2); c.5004_5005del, p.Leu1668_Tyr1669insTer (NM_001130978.2); c.5034_5035del, p.Leu1678_Tyr1679insTer (NM_001130979.2); c.4992_4993del, p.Leu1664_Tyr1665insTer (NM_001130980.2); c.5055_5056del, p.Leu1685_Tyr1686insTer (NM_001130981.2); c.5037_5038del, p.Leu1679_Tyr1680insTer (NM_001130982.2); and 5 more.
Identifiers: ClinVar variation 4815151 (VCV004815151.3).